The following is an entry in ClinVar:

ClinVar aggregate classification (germline): Likely pathogenic (1 of 4 stars; one submission).

Conditions:
Joubert syndrome. Also called: CEREBELLOPARENCHYMAL DISORDER IV; JOUBERT-BOLTSHAUSER SYNDROME; Familial aplasia of the vermis. Identifiers: Orphanet 475, MedGen C5979921, MONDO:0018772.
Orofaciodigital syndrome I (OFD1). Also called: OFDS I; Papillon-Leage and Psaume Syndrome; Oral-Facial-Digital Syndrome Type I. Identifiers: Orphanet 2750, MedGen C1510460, MONDO:0010702, OMIM 311200.

Submission:

Labcorp Genetics (formerly Invitae), Labcorp
Classification: Likely pathogenic for Orofaciodigital syndrome I; Joubert syndrome. Last evaluated: 2021-01-08. Review status: criteria provided, single submitter. Criteria: Invitae Variant Classification Sherloc (09022015). Collection method: clinical testing. Allele origin: germline.
Comment: This variant is not present in population databases (ExAC no frequency). This sequence change affects a donor splice site in intron 12 of the OFD1 gene. It is expected to disrupt RNA splicing. Variants that disrupt the donor or acceptor splice site typically lead to a loss of protein function (PMID: 16199547), and loss-of-function variants in OFD1 are known to be pathogenic (PMID: 16783569, 18546297, 27081566). This variant has not been reported in the literature in individuals with OFD1-related conditions. In summary, the currently available evidence indicates that the variant is pathogenic, but additional data are needed to prove that conclusively. Therefore, this variant has been classified as Likely Pathogenic. Algorithms developed to predict the effect of sequence changes on RNA splicing suggest that this variant may disrupt the consensus splice site, but this prediction has not been confirmed by published transcriptional studies.

Literature cited by the submitters: PubMed 16199547; PubMed 16783569; PubMed 18546297; PubMed 27081566.

NM_003611.3(OFD1):c.1221_1221+13del

Gene: OFD1 (OFD1 centriole and centriolar satellite protein; plus strand). Cytogenetic location: Xp22.2.
Variant type: Deletion.
Coding change: c.1221_1221+13del on transcript NM_003611.3 (MANE Select); coding-DNA position 1221 through 13 bases into the intron after coding-DNA position 1221, 14 bases deleted (GGTAATTGTTAAGC).
Molecular consequence: splice donor variant.
Genome position (GRCh38, 1-based): chrX:13,755,242-13,755,255, GGTAATTGTTAAGC deleted. VCF-style (leftmost placement, unchanged base first): chrX-13755241-AGGTAATTGTTAAGC-A. GRCh37 (hg19) VCF-style: chrX-13773360-AGGTAATTGTTAAGC-A.
Other names: c.801_801+13del (NM_001330210.2); c.1101_1101+13del (NM_001330209.2).
Identifiers: ClinVar variation 1476232 (VCV001476232.6), dbSNP rs2147016815, ClinGen allele CA2573158407.
Genomic context (GRCh38, chrX:13,755,241, plus strand): 5'-TAGCTATTAATTCAAAAAAGGAGGAACTCAATCAATCTGTAAATCGTGTGAAAGAACTTG[AGGTAATTGTTAAGC>A]ATGTTGGTTTTTGAAATAGATTTTAAGCAATATATGAAATTTTAGTCATACATAATTTAT-3'